The following is an entry in ClinVar:

NM_004304.5(ALK):c.2914+5C>G

Gene: ALK (ALK receptor tyrosine kinase; minus strand). Cytogenetic location: 2p23.2.
Variant type: single nucleotide variant.
Coding change: c.2914+5C>G on transcript NM_004304.5 (MANE Select); 5 bases into the intron after coding-DNA position 2914, C replaced by G.
Molecular consequence: intron variant.
Genome position (GRCh38, 1-based): chr2:29,227,569, G>C on the plus strand (C>G on the coding strand, the complement: ALK is on the minus strand). VCF-style: chr2-29227569-G-C. GRCh37 (hg19) VCF-style: chr2-29450435-G-C.
Identifiers: ClinVar variation 4766682 (VCV004766682.1).

ClinVar aggregate classification (germline): Uncertain significance (1 of 4 stars; one submission).

Conditions:
Neuroblastoma, susceptibility to, 3. Also called: ALK-Related Neuroblastic Tumor Susceptibility. Identifiers: Orphanet 635, MedGen C2751681, MONDO:0013083, OMIM 613014.

Submission:

Labcorp Genetics (formerly Invitae), Labcorp
Classification: Uncertain significance for Neuroblastoma, susceptibility to, 3. Last evaluated: 2025-04-22. Review status: criteria provided, single submitter. Criteria: Invitae Variant Classification Sherloc (09022015). Collection method: clinical testing. Allele origin: germline.
Comment: This sequence change falls in intron 17 of the ALK gene. It does not directly change the encoded amino acid sequence of the ALK protein. It affects a nucleotide within the consensus splice site. This variant is not present in population databases (gnomAD no frequency). This variant has not been reported in the literature in individuals affected with ALK-related conditions. Variants that disrupt the consensus splice site are a relatively common cause of aberrant splicing (PMID: 17576681, 9536098). Algorithms developed to predict the effect of sequence changes on RNA splicing suggest that this variant is not likely to affect RNA splicing. In summary, the available evidence is currently insufficient to determine the role of this variant in disease. Therefore, it has been classified as a Variant of Uncertain Significance.

Literature cited by the submitters: PubMed 17576681; PubMed 9536098.